The following is an entry in ClinVar:

NM_000090.4(COL3A1):c.3598G>A (p.Val1200Ile)

Gene: COL3A1 (collagen type III alpha 1 chain; plus strand). Cytogenetic location: 2q32.2.
Variant type: single nucleotide variant.
Coding change: c.3598G>A on transcript NM_000090.4 (MANE Select); coding-DNA position 3598, G replaced by A.
Protein change: p.Val1200Ile; replaces valine 1200 with isoleucine.
Molecular consequence: missense variant.
Genome position (GRCh38, 1-based): chr2:189,008,996, G>A. VCF-style: chr2-189008996-G-A. GRCh37 (hg19) VCF-style: chr2-189873722-G-A.
Other names: short protein forms V1200I.
Identifiers: ClinVar variation 3719213 (VCV003719213.2).

ClinVar aggregate classification (germline): Uncertain significance (1 of 4 stars; one submission).

Conditions:
Ehlers-Danlos syndrome, type 4 (EDSVASC). Also called: Ehlers-Danlos syndrome vascular type; Ehlers Danlos syndrome, ecchymotic type; Ehlers Danlos syndrome, arterial type; Ehlers Danlos syndrome, Sack-Barabas type; Ehlers-Danlos Syndrome Type IV. Identifiers: Orphanet 286, MedGen C0268338, MONDO:0017314, OMIM 130050.

Submission:

Labcorp Genetics (formerly Invitae), Labcorp
Classification: Uncertain significance for Ehlers-Danlos syndrome, type 4. Last evaluated: 2025-02-15. Review status: criteria provided, single submitter. Criteria: Invitae Variant Classification Sherloc (09022015). Collection method: clinical testing. Allele origin: germline.
Comment: This sequence change replaces valine, which is neutral and non-polar, with isoleucine, which is neutral and non-polar, at codon 1200 of the COL3A1 protein (p.Val1200Ile). This variant is not present in population databases (gnomAD no frequency). This variant has not been reported in the literature in individuals affected with COL3A1-related conditions. Invitae Evidence Modeling of protein sequence and biophysical properties (such as structural, functional, and spatial information, amino acid conservation, physicochemical variation, residue mobility, and thermodynamic stability) indicates that this missense variant is not expected to disrupt COL3A1 protein function with a negative predictive value of 95%. In summary, the available evidence is currently insufficient to determine the role of this variant in disease. Therefore, it has been classified as a Variant of Uncertain Significance.